The following is an entry in ClinVar:

NM_001199799.2(ILDR1):c.352C>T (p.Arg118Trp)

Gene: ILDR1 (immunoglobulin like domain containing receptor 1; minus strand). Cytogenetic location: 3q13.33.
Variant type: single nucleotide variant.
Coding change: c.352C>T on transcript NM_001199799.2 (MANE Select); coding-DNA position 352, C replaced by T.
Protein change: p.Arg118Trp; replaces arginine 118 with tryptophan.
Molecular consequence: missense variant.
Genome position (GRCh38, 1-based): chr3:122,005,271, G>A on the plus strand (C>T on the coding strand, the complement: ILDR1 is on the minus strand). VCF-style: chr3-122005271-G-A. GRCh37 (hg19) VCF-style: chr3-121724118-G-A.
Other names: c.352C>T, p.Arg118Trp (NM_001199800.2, NM_175924.4); short protein forms R118W.
Identifiers: ClinVar variation 289899 (VCV000289899.14), dbSNP rs774128939, ClinGen allele CA2568965.

ClinVar aggregate classification (germline): Uncertain significance. Review status: criteria provided, multiple submitters, no conflicts (2 of 4 stars). 4 submissions from 4 submitters: Uncertain significance (4). Last evaluated 2023-03-21.

Allele frequency attached by ClinVar (database versions not stated): ExAC 0.00015; gnomAD exomes 0.00020; gnomAD 0.00002 and 0.00004; TOPMed 0.00009.
gnomAD v4.1: 71 of 1,562,362 alleles (0.0045%); highest among the groups gnomAD compares: Admixed American, 0.11%; 1 homozygote.

Submissions (4):

GeneDx
Classification: Uncertain significance. Last evaluated: 2023-03-21. Review status: criteria provided, single submitter. Criteria: GeneDx Variant Classification Process June 2021. Collection method: clinical testing. Allele origin: germline. Affected: yes.
Comment: In silico analysis supports that this missense variant has a deleterious effect on protein structure/function; Has not been previously published as pathogenic or benign to our knowledge

Labcorp Genetics (formerly Invitae), Labcorp
Classification: Uncertain significance. Last evaluated: 2022-08-23. Review status: criteria provided, single submitter. Criteria: Invitae Variant Classification Sherloc (09022015). Collection method: clinical testing. Allele origin: germline.
Comment: This sequence change replaces arginine, which is basic and polar, with tryptophan, which is neutral and slightly polar, at codon 118 of the ILDR1 protein (p.Arg118Trp). This variant is present in population databases (rs774128939, gnomAD 0.2%), including at least one homozygous and/or hemizygous individual. This variant has not been reported in the literature in individuals affected with ILDR1-related conditions. ClinVar contains an entry for this variant (Variation ID: 289899). Algorithms developed to predict the effect of missense changes on protein structure and function (SIFT, PolyPhen-2, Align-GVGD) all suggest that this variant is likely to be disruptive. In summary, the available evidence is currently insufficient to determine the role of this variant in disease. Therefore, it has been classified as a Variant of Uncertain Significance.

Laboratory for Molecular Medicine, Mass General Brigham Personalized Medicine
Classification: Uncertain significance. Last evaluated: 2017-03-16. Review status: criteria provided, single submitter. Criteria: LMM Criteria. Collection method: clinical testing. Allele origin: germline. Observed: 1 variant allele.
Comment: The p.Arg118Trp variant in ILDR1 has not been previously reported in individuals with hearing loss, but has been reported in ClinVar (Variation ID# 289899) as o f uncertain clinical significance. This variant has been identified in 0.2% (53/ 33566) of Latino chromosomes including one homozygote by the Genome Aggregation Database (gnomAD; dbSNP rs774128939). Although this variant has been seen in the general population, its frequency is not high enough to rule out a pathogenic role. Computational prediction tools and conse rvation analysis suggest that the p.Arg118Trp variant may impact the protein, th ough this information is not predictive enough to determine pathogenicity. In su mmary, the clinical significance of the p.Arg118Trp variant is uncertain.

Eurofins Ntd Llc (ga)
Classification: Uncertain significance. Last evaluated: 2016-08-30. Review status: criteria provided, single submitter. Criteria: EGL Classification Definitions 2015. Collection method: clinical testing. Allele origin: germline. Observed: 1 variant allele, 1 heterozygote.